The following is an entry in ClinVar:

NM_004655.4(AXIN2):c.1207G>A (p.Glu403Lys)

Gene: AXIN2 (axin 2; minus strand). Cytogenetic location: 17q24.1.
Variant type: single nucleotide variant.
Coding change: c.1207G>A on transcript NM_004655.4 (MANE Select); coding-DNA position 1207, G replaced by A.
Protein change: p.Glu403Lys; replaces glutamic acid 403 with lysine.
Molecular consequence: missense variant.
Genome position (GRCh38, 1-based): chr17:65,537,829, C>T on the plus strand (G>A on the coding strand, the complement: AXIN2 is on the minus strand). VCF-style: chr17-65537829-C-T. GRCh37 (hg19) VCF-style: chr17-63533947-C-T.
Other names: c.1207G>A, p.Glu403Lys (NM_001363813.1); short protein forms E403K.
Identifiers: ClinVar variation 864262 (VCV000864262.12), dbSNP rs1196309364, ClinGen allele CA400677964.

ClinVar aggregate classification (germline): Uncertain significance. Review status: criteria provided, multiple submitters, no conflicts (2 of 4 stars). 3 submissions from 3 submitters: Uncertain significance (3). Last evaluated 2025-12-24.

Conditions:
Oligodontia-cancer predisposition syndrome. Also called: TOOTH AGENESIS-COLORECTAL CANCER SYNDROME. Identifiers: Orphanet 300576, MedGen C1837750, MONDO:0012075, OMIM 608615. Disease mechanism: loss of function.
Hereditary cancer-predisposing syndrome. Also called: Hereditary Cancer Syndrome; Tumor predisposition; Neoplastic Syndromes, Hereditary; Hereditary neoplastic syndrome. Identifiers: Orphanet 140162, MedGen C0027672, MeSH D009386, MONDO:0015356.

Allele frequency attached by ClinVar (database versions not stated): gnomAD 0.00001; gnomAD exomes 0.00001.
gnomAD v4.1: 5 of 1,555,710 alleles (0.00032%); highest among the groups gnomAD compares: Admixed American, 0.0058%; no homozygotes.

Submissions (3):

Labcorp Genetics (formerly Invitae), Labcorp
Classification: Uncertain significance for Oligodontia-cancer predisposition syndrome. Last evaluated: 2025-12-24. Review status: criteria provided, single submitter. Criteria: Invitae Variant Classification Sherloc (09022015). Collection method: clinical testing. Allele origin: germline.
Comment: This sequence change replaces glutamic acid, which is acidic and polar, with lysine, which is basic and polar, at codon 403 of the AXIN2 protein (p.Glu403Lys). The frequency data for this variant in the population databases is considered unreliable, as metrics indicate poor data quality at this position in the gnomAD database. This variant has not been reported in the literature in individuals affected with AXIN2-related conditions. ClinVar contains an entry for this variant (Variation ID: 864262). Invitae Evidence Modeling of protein sequence and biophysical properties (such as structural, functional, and spatial information, amino acid conservation, physicochemical variation, residue mobility, and thermodynamic stability) indicates that this missense variant is expected to disrupt AXIN2 protein function with a positive predictive value of 80%. In summary, the available evidence is currently insufficient to determine the role of this variant in disease. Therefore, it has been classified as a Variant of Uncertain Significance.

Quest Diagnostics Nichols Institute San Juan Capistrano
Classification: Uncertain significance. Last evaluated: 2025-10-30. Review status: criteria provided, single submitter. Criteria: Quest Diagnostics criteria. Collection method: clinical testing. Allele origin: unknown.
Comment: The AXIN2 c.1207G>A (p.Glu403Lys) variant has not been reported in individuals with AXIN2-related conditions in the published literature. The frequency of this variant in the general population (Genome Aggregation Database) is uninformative in the assessment of its pathogenicity. Analysis of this variant using bioinformatics tools for the prediction of the effect of amino acid changes on protein structure and function yielded predictions that this variant is benign. Based on the available information, we are unable to determine the clinical significance of this variant.

Ambry Genetics
Classification: Uncertain significance for Hereditary cancer-predisposing syndrome. Last evaluated: 2024-07-01. Review status: criteria provided, single submitter. Criteria: Ambry Variant Classification Scheme 2023. Collection method: clinical testing. Allele origin: germline.
Comment: The p.E403K variant (also known as c.1207G>A), located in coding exon 5 of the AXIN2 gene, results from a G to A substitution at nucleotide position 1207. The glutamic acid at codon 403 is replaced by lysine, an amino acid with similar properties. This amino acid position is highly conserved in available vertebrate species. In addition, the in silico prediction for this alteration is inconclusive. Since supporting evidence is limited at this time, the clinical significance of this alteration remains unclear.